The following is an entry in ClinVar:

ClinVar aggregate classification (germline): Uncertain significance. Review status: criteria provided, multiple submitters, no conflicts (2 of 4 stars). 3 submissions from 3 submitters: Uncertain significance (3). Last evaluated 2025-07-20.

Conditions:
PHIP-related disorder. Also called: PHIP-related disorders; PHIP-related condition.

gnomAD v4.1: 1 of 1,609,388 alleles (0.000062%); highest among the groups gnomAD compares: Non-Finnish European, 0.000085%; no homozygotes.

Submissions (3):

PreventionGenetics, part of Exact Sciences
Classification: Uncertain significance for PHIP-related condition. Last evaluated: 2025-07-20. Review status: criteria provided, single submitter. Criteria: ACMG Guidelines, 2015. Collection method: clinical testing. Allele origin: germline.
Comment: The PHIP c.22C>T variant is predicted to result in the amino acid substitution p.Leu8Phe. To our knowledge, this variant has not been reported in the literature or in a large population database (gnomAD), indicating this variant is rare. At this time, the clinical significance of this variant is uncertain due to the absence of conclusive functional and genetic evidence.

Labcorp Genetics (formerly Invitae), Labcorp
Classification: Uncertain significance. Last evaluated: 2024-01-18. Review status: criteria provided, single submitter. Criteria: Invitae Variant Classification Sherloc (09022015). Collection method: clinical testing. Allele origin: germline.
Comment: This sequence change replaces leucine, which is neutral and non-polar, with phenylalanine, which is neutral and non-polar, at codon 8 of the PHIP protein (p.Leu8Phe). This variant is not present in population databases (gnomAD no frequency). This variant has not been reported in the literature in individuals affected with PHIP-related conditions. ClinVar contains an entry for this variant (Variation ID: 1013514). Experimental studies and prediction algorithms are not available or were not evaluated, and the functional significance of this variant is currently unknown. In summary, the available evidence is currently insufficient to determine the role of this variant in disease. Therefore, it has been classified as a Variant of Uncertain Significance.

CeGaT Center for Human Genetics Tuebingen
Classification: Uncertain significance. Last evaluated: 2022-02-01. Review status: criteria provided, single submitter. Criteria: CeGaT Center For Human Genetics Tuebingen Variant Classification Criteria Version 2. Collection method: clinical testing. Allele origin: germline. Affected: yes. Observed: 2 variant alleles.

NM_017934.7(PHIP):c.22C>T (p.Leu8Phe)

Genes: PHIP (PHIP subunit of CUL4-Ring ligase complex; minus strand), LOC129996745 (ATAC-STARR-seq lymphoblastoid silent region 17346; plus strand). Cytogenetic location: 6q14.1.
Variant type: single nucleotide variant.
Coding change: c.22C>T on transcript NM_017934.7 (MANE Select); coding-DNA position 22, C replaced by T.
Protein change: p.Leu8Phe; replaces leucine 8 with phenylalanine.
Molecular consequence: missense variant.
Genome position (GRCh38, 1-based): chr6:79,078,047, G>A on the plus strand (C>T on the coding strand, the complement: PHIP is on the minus strand). VCF-style: chr6-79078047-G-A. GRCh37 (hg19) VCF-style: chr6-79787764-G-A.
Other names: c.22C>T (NM_017934.6); short protein forms L8F.
Identifiers: ClinVar variation 1013514 (VCV001013514.40), dbSNP rs750740222, ClinGen allele CA364652693.